The following is an entry in ClinVar:

NM_004100.5(EYA4):c.725-2A>G

Gene: EYA4 (EYA transcriptional coactivator and phosphatase 4; plus strand). Cytogenetic location: 6q23.2.
Variant type: single nucleotide variant.
Coding change: c.725-2A>G on transcript NM_004100.5 (MANE Select); the canonical splice acceptor site of the intron before coding-DNA position 725, A replaced by G.
Molecular consequence: splice acceptor variant.
Genome position (GRCh38, 1-based): chr6:133,464,777, A>G. VCF-style: chr6-133464777-A-G. GRCh37 (hg19) VCF-style: chr6-133785915-A-G.
Other names: c.725-2A>G (NM_001301013.2, NM_172105.4); c.656-2A>G (NM_001370458.1, NM_172103.4); c.563-2A>G (NM_001370459.1, NM_001301012.2).
Identifiers: ClinVar variation 3601123 (VCV003601123.1).

ClinVar aggregate classification (germline): Likely pathogenic (1 of 4 stars; one submission).

Conditions:
Autosomal dominant nonsyndromic hearing loss 10. Identifiers: Orphanet 90635, MedGen C1832476, MONDO:0011031, OMIM 601316.

Submission:

Institute of Rare Diseases, West China Hospital, Sichuan University
Classification: Likely pathogenic for Autosomal dominant nonsyndromic hearing loss 10. Last evaluated: 2025-01-09. Review status: criteria provided, single submitter. Criteria: ClinGen HL ACMG Specifications v1. Collection method: research. Allele origin: germline. Affected: yes.
Comment: PVS1;PM2_Supporting